The following is an entry in ClinVar:

ClinVar aggregate classification (germline): Likely benign (1 of 4 stars; one submission).

Submission:

CeGaT Center for Human Genetics Tuebingen
Classification: Likely benign. Last evaluated: 2025-06-01. Review status: criteria provided, single submitter. Criteria: CeGaT Center For Human Genetics Tuebingen Variant Classification Criteria Version 2. Collection method: clinical testing. Allele origin: germline. Affected: yes. Observed: 2 variant alleles.
Comment: AHNAK2: BP4, BP7

NM_138420.4(AHNAK2):c.10941A>C (p.Ser3647=)

Gene: AHNAK2 (AHNAK nucleoprotein 2; minus strand). Cytogenetic location: 14q32.33.
Variant type: single nucleotide variant.
Coding change: c.10941A>C on transcript NM_138420.4 (MANE Select); coding-DNA position 10941, A replaced by C.
Protein change: p.Ser3647=; no amino-acid change (serine 3647 retained).
Molecular consequence: synonymous variant.
Genome position (GRCh38, 1-based): chr14:104,944,510, T>G on the plus strand (A>C on the coding strand, the complement: AHNAK2 is on the minus strand). VCF-style: chr14-104944510-T-G. GRCh37 (hg19) VCF-style: chr14-105410847-T-G.
Other names: c.10641A>C, p.Ser3547= (NM_001350929.2).
Identifiers: ClinVar variation 2644657 (VCV002644657.24), dbSNP rs142034707, ClinGen allele CA488723918.